The following is an entry in ClinVar:

ClinVar aggregate classification (germline): Uncertain significance (1 of 4 stars; one submission).

Conditions:
KBG syndrome (KBGS). Also called: ANKRD11-Related KBG Syndrome. Identifiers: Orphanet 2332, MedGen C0220687, MONDO:0007846, OMIM 148050.

Allele frequency attached by ClinVar (database versions not stated): gnomAD exomes below 0.00001; ExAC 0.00004.

Submission:

Labcorp Genetics (formerly Invitae), Labcorp
Classification: Uncertain significance for KBG syndrome. Last evaluated: 2022-03-25. Review status: criteria provided, single submitter. Criteria: Invitae Variant Classification Sherloc (09022015). Collection method: clinical testing. Allele origin: germline.
Comment: In summary, the available evidence is currently insufficient to determine the role of this variant in disease. Therefore, it has been classified as a Variant of Uncertain Significance. This variant has not been reported in the literature in individuals affected with ANKRD11-related conditions. This variant is present in population databases (rs778437406, gnomAD 0.005%). This variant, c.6103_6111dup, results in the insertion of 3 amino acid(s) of the ANKRD11 protein (p.Glu2035_Val2037dup), but otherwise preserves the integrity of the reading frame.

NM_013275.6(ANKRD11):c.6103_6111dup (p.Val2037_Lys2038insGluAspVal)

Gene: ANKRD11 (ankyrin repeat domain 11; minus strand). Cytogenetic location: 16q24.3.
Variant type: Duplication.
Coding change: c.6103_6111dup on transcript NM_013275.6 (MANE Select); coding-DNA positions 6103 to 6111, 9 bases duplicated (GAGGACGTC; older notation c.6103_6111dupGAGGACGTC).
Protein change: p.Val2037_Lys2038insGluAspVal.
Molecular consequence: inframe insertion.
Genome position (GRCh38, 1-based): chr16:89,280,431-89,280,439, GACGTCCTC duplicated on the plus strand (GAGGACGTC on the coding strand, the reverse complement: ANKRD11 is on the minus strand). VCF-style (leftmost placement, unchanged base first): chr16-89280430-T-TGACGTCCTC. GRCh37 (hg19) VCF-style: chr16-89346838-T-TGACGTCCTC.
Other names: c.6103_6111dup, p.Val2037_Lys2038insGluAspVal (NM_001256182.2, NM_001256183.2).
Identifiers: ClinVar variation 1969642 (VCV001969642.5), dbSNP rs778437406, ClinGen allele CA8241584.